The following is an entry in ClinVar:

ClinVar aggregate classification (germline): Uncertain significance (1 of 4 stars; one submission).

Submission:

Labcorp Genetics (formerly Invitae), Labcorp
Classification: Uncertain significance. Last evaluated: 2022-03-14. Review status: criteria provided, single submitter. Criteria: Invitae Variant Classification Sherloc (09022015). Collection method: clinical testing. Allele origin: germline.
Comment: In summary, the available evidence is currently insufficient to determine the role of this variant in disease. Therefore, it has been classified as a Variant of Uncertain Significance. This variant is not present in population databases (gnomAD no frequency). This variant has not been reported in the literature in individuals affected with FGFRL1-related conditions. Algorithms developed to predict the effect of missense changes on protein structure and function are either unavailable or do not agree on the potential impact of this missense change (SIFT: "Deleterious"; PolyPhen-2: "Benign"; Align-GVGD: "Class C0"). This sequence change replaces serine, which is neutral and polar, with asparagine, which is neutral and polar, at codon 175 of the FGFRL1 protein (p.Ser175Asn).

NM_001004356.3(FGFRL1):c.524G>A (p.Ser175Asn)

Gene: FGFRL1 (fibroblast growth factor receptor like 1; plus strand). Cytogenetic location: 4p16.3.
Variant type: single nucleotide variant.
Coding change: c.524G>A on transcript NM_001004356.3 (MANE Select); coding-DNA position 524, G replaced by A.
Protein change: p.Ser175Asn; replaces serine 175 with asparagine.
Molecular consequence: missense variant.
Genome position (GRCh38, 1-based): chr4:1,023,907, G>A. VCF-style: chr4-1023907-G-A. GRCh37 (hg19) VCF-style: chr4-1017695-G-A.
Other names: c.524G>A, p.Ser175Asn (NM_001004358.1, NM_001370296.1, NM_021923.3); short protein forms S175N.
Identifiers: ClinVar variation 2111925 (VCV002111925.4), dbSNP rs2534150029, ClinGen allele CA355931288.